The following is an entry in ClinVar:

NM_032801.5(JAM3):c.410-1G>A

Gene: JAM3 (junctional adhesion molecule 3; plus strand). Cytogenetic location: 11q25.
Variant type: single nucleotide variant.
Coding change: c.410-1G>A on transcript NM_032801.5 (MANE Select); the canonical splice acceptor site of the intron before coding-DNA position 410, G replaced by A.
Molecular consequence: splice acceptor variant.
Genome position (GRCh38, 1-based): chr11:134,144,791, G>A. VCF-style: chr11-134144791-G-A. GRCh37 (hg19) VCF-style: chr11-134014686-G-A.
Other names: c.257-1G>A (NM_001205329.2).
Identifiers: ClinVar variation 995567 (VCV000995567.3), dbSNP rs141004644, ClinGen allele CA231313881.

ClinVar aggregate classification (germline): Pathogenic (1 of 4 stars; one submission).

Conditions:
Porencephaly-microcephaly-bilateral congenital cataract syndrome. Identifiers: Orphanet 306547, MedGen C3151000, MONDO:0013394, OMIM 613730.

Submission:

Costain lab, The Hospital for Sick Children
Classification: Pathogenic for Porencephaly-microcephaly-bilateral congenital cataract syndrome. Last evaluated: 2020-12-30. Review status: criteria provided, single submitter. Criteria: ACMG Guidelines, 2015. Collection method: clinical testing. Allele origin: maternal. Inheritance: Autosomal recessive inheritance. Affected: yes. Observed: 1 variant allele, 1 compound heterozygote.
Comment: We classified this variant as pathogenic using the following ACMG variant classification criteria: PVS1, PS3, PM2, PP4. This variant was observed in a compound heterozygous state with NM_032801.4: c.256+1260G>C (ClinVar SCV001451971).